The following is an entry in ClinVar:

NM_032043.3(BRIP1):c.2538T>C (p.Asp846=)

Gene: BRIP1 (BRCA1 interacting DNA helicase 1; minus strand). Cytogenetic location: 17q23.2.
Variant type: single nucleotide variant.
Coding change: c.2538T>C on transcript NM_032043.3 (MANE Select); coding-DNA position 2538, T replaced by C.
Protein change: p.Asp846=; no amino-acid change (aspartic acid 846 retained).
Molecular consequence: synonymous variant.
Genome position (GRCh38, 1-based): chr17:61,693,467, A>G on the plus strand (T>C on the coding strand, the complement: BRIP1 is on the minus strand). VCF-style: chr17-61693467-A-G. GRCh37 (hg19) VCF-style: chr17-59770828-A-G.
Identifiers: ClinVar variation 1143872 (VCV001143872.14), dbSNP rs2144186341, ClinGen allele CA501144656.
Genomic context (GRCh38, chr17:61,693,467, plus strand): 5'-TCTAAGCCCAGCTGAGATCTTACCAGATATATAGCGACTTGGGTTATTCCTAAAGCGATC[A>G]TCCACTAGAATAAGAGCTCCCCAATCATTTCTGTGTCTAATACATCTAGAAAAAATAGGG-3'
Protein context (NP_114432.2, residues 836-856): RNDWGALILV[Asp846=]DRFRNNPSRY

ClinVar aggregate classification (germline): Conflicting classifications of pathogenicity. Review status: criteria provided, conflicting classifications (1 of 4 stars). 4 submissions from 4 submitters: Uncertain significance (1); Benign (1); Likely benign (2). Last evaluated 2025-09-16.

Conditions:
Familial cancer of breast. Also called: Hereditary breast cancer; BREAST CANCER, FAMILIAL; hereditary breast carcinoma. Identifiers: Orphanet 227535, MedGen C0346153, MONDO:0016419, OMIM 114480. Disease mechanism: loss of function.
Hereditary cancer-predisposing syndrome. Also called: Hereditary neoplastic syndrome; Tumor predisposition; Neoplastic Syndromes, Hereditary; Hereditary Cancer Syndrome. Identifiers: Orphanet 140162, MedGen C0027672, MeSH D009386, MONDO:0015356.
Fanconi anemia complementation group J. Also called: BRIP1-Related Fanconi Anemia. Identifiers: Orphanet 84, MedGen C1836860, MONDO:0012187, OMIM 609054.

Submissions (4):

Labcorp Genetics (formerly Invitae), Labcorp
Classification: Likely benign for Familial cancer of breast; Fanconi anemia complementation group J. Last evaluated: 2025-09-16. Review status: criteria provided, single submitter. Criteria: Invitae Variant Classification Sherloc (09022015). Collection method: clinical testing. Allele origin: germline.

Myriad Genetics, Inc.
Classification: Benign for Familial cancer of breast. Last evaluated: 2024-09-05. Review status: criteria provided, single submitter. Criteria: Myriad Autosomal Dominant, Autosomal Recessive and X-Linked Classification Criteria (2023). Collection method: clinical testing. Allele origin: unknown.
Comment: This variant is considered benign. This variant is a silent/synonymous amino acid change and it is not expected to impact splicing.

Quest Diagnostics Nichols Institute San Juan Capistrano
Classification: Uncertain significance. Last evaluated: 2024-07-01. Review status: criteria provided, single submitter. Criteria: Quest Diagnostics criteria. Collection method: clinical testing. Allele origin: unknown.
Comment: The BRIP1 c.2538T>C (p.Asp846=) synonymous variant has not been reported in individuals with BRIP1-related conditions in the published literature. It also has not been reported in large, multi-ethnic general populations (Genome Aggregation Database). Analysis of this variant using software algorithms for the prediction of the effect of nucleotide changes on splicing yielded predictions that this variant does not affect BRIP1 mRNA splicing. Based on the available information, we are unable to determine the clinical significance of this variant.

Ambry Genetics
Classification: Likely benign for Hereditary cancer-predisposing syndrome. Last evaluated: 2021-10-03. Review status: criteria provided, single submitter. Criteria: Ambry Variant Classification Scheme 2023. Collection method: clinical testing. Allele origin: germline.